The following is an entry in ClinVar:

ClinVar aggregate classification (germline): Conflicting classifications of pathogenicity. Review status: criteria provided, conflicting classifications (1 of 4 stars). 2 submissions from 2 submitters: Uncertain significance (1); Benign (1). Last evaluated 2025-09-09.

Conditions:
Hereditary cancer-predisposing syndrome. Also called: Tumor predisposition; Neoplastic Syndromes, Hereditary; Hereditary Cancer Syndrome; Hereditary neoplastic syndrome. Identifiers: Orphanet 140162, MedGen C0027672, MeSH D009386, MONDO:0015356.
Familial adenomatous polyposis 2. Also called: MYH-associated polyposis; Adenomas, multiple colorectal; COLORECTAL ADENOMATOUS POLYPOSIS, AUTOSOMAL RECESSIVE; ADENOMAS, MULTIPLE COLORECTAL, AUTOSOMAL RECESSIVE; FAP type 2; MUTYH Polyposis. Identifiers: Orphanet 220460, Orphanet 247798, MedGen C3272841, MONDO:0012041, OMIM 608456.

Submissions (2):

Ambry Genetics
Classification: Benign for Hereditary cancer-predisposing syndrome. Last evaluated: 2025-09-09. Review status: criteria provided, single submitter. Criteria: Ambry Variant Classification Scheme 2023. Collection method: clinical testing. Allele origin: germline.

Labcorp Genetics (formerly Invitae), Labcorp
Classification: Uncertain significance for Familial adenomatous polyposis 2. Last evaluated: 2021-09-18. Review status: criteria provided, single submitter. Criteria: Invitae Variant Classification Sherloc (09022015). Collection method: clinical testing. Allele origin: germline.
Comment: This sequence change replaces arginine with lysine at codon 510 of the MUTYH protein (p.Arg510Lys). The arginine residue is highly conserved and there is a small physicochemical difference between arginine and lysine. This variant is not present in population databases (ExAC no frequency). This variant has not been reported in the literature in individuals affected with MUTYH-related conditions. Algorithms developed to predict the effect of missense changes on protein structure and function are either unavailable or do not agree on the potential impact of this missense change (SIFT: "Deleterious"; PolyPhen-2: "Benign"; Align-GVGD: "Class C25"). In summary, the available evidence is currently insufficient to determine the role of this variant in disease. Therefore, it has been classified as a Variant of Uncertain Significance.

NM_001048174.2(MUTYH):c.1445G>A (p.Arg482Lys)

Gene: MUTYH (mutY DNA glycosylase; minus strand). Cytogenetic location: 1p34.1.
Variant type: single nucleotide variant.
Coding change: c.1445G>A on transcript NM_001048174.2 (MANE Select); coding-DNA position 1445, G replaced by A.
Protein change: p.Arg482Lys; replaces arginine 482 with lysine.
Molecular consequence: missense variant. On other transcripts: non-coding transcript variant (2).
Genome position (GRCh38, 1-based): chr1:45,329,427, C>T on the plus strand (G>A on the coding strand, the complement: MUTYH is on the minus strand). VCF-style: chr1-45329427-C-T. GRCh37 (hg19) VCF-style: chr1-45795099-C-T.
Other names: c.1445G>A, p.Arg482Lys (NM_001048171.2, NM_001048173.2, NM_001293195.2); c.1448G>A, p.Arg483Lys (NM_001048172.2); c.1529G>A, p.Arg510Lys (NM_001128425.2); c.1490G>A, p.Arg497Lys (NM_001293190.2); c.1478G>A, p.Arg493Lys (NM_001293191.2); c.1169G>A, p.Arg390Lys (NM_001293192.2, NM_001293196.2); c.1100G>A, p.Arg367Lys (NM_001350650.2, NM_001350651.2); c.1520G>A, p.Arg507Lys (NM_012222.3); short protein forms R483K, R493K, R390K, R510K, R367K, R482K, R497K, R507K.
Identifiers: ClinVar variation 1481055 (VCV001481055.7), dbSNP rs2149090030, ClinGen allele CA340131933.
Genomic context (GRCh38, chr1:45,329,427, plus strand): 5'-TCCAGGACTTGCTGGCCCATGCGGGGCTTTTTCCGACTGCACGGAGAGGACACCTGGGAC[C>T]TTTTGGAACCCTGTGAAAAAATGGAAGGAGGGAGGCCTTGTAGTTGGGGGAGGGGGAGCA-3'
Protein context (NP_001041639.1, residues 472-492): QQPGTCMGSK[Arg482Lys]SQVSSPCSRK